The following is an entry in ClinVar:

ClinVar aggregate classification (germline): Uncertain significance (1 of 4 stars; one submission).

Allele frequency attached by ClinVar (database versions not stated): TOPMed 0.00002.
gnomAD v4.1: 22 of 1,614,064 alleles (0.0014%); highest among the groups gnomAD compares: Non-Finnish European, 0.0019%; no homozygotes.

Submission:

Women's Health and Genetics/Laboratory Corporation of America, LabCorp
Classification: Uncertain significance. Last evaluated: 2025-09-23. Review status: criteria provided, single submitter. Criteria: LabCorp Variant Classification Summary - May 2015. Collection method: clinical testing. Allele origin: germline.
Comment: Variant summary: CRLF1 c.935G>A (p.Arg312His) results in a non-conservative amino acid change in the encoded protein sequence. Algorithms developed to predict the effect of missense changes on protein structure and function all suggest that this variant is likely to be disruptive. The variant allele was found at a frequency of 4e-06 in 250878 control chromosomes. The available data on variant occurrences in the general population are insufficient to allow any conclusion about variant significance. c.935G>A has been observed in one individual affected with Cold-Induced Sweating Syndrome (DiLeo_2010). These data do not allow any conclusion about variant significance. At least one variant at the Arg312 residue has been reported in ClinVar but the pathogenicity has not been established (p.Arg312Leu). To our knowledge, no experimental evidence demonstrating an impact on protein function has been reported. The following publication has been ascertained in the context of this evaluation (PMID: 20975058). No submitters have cited clinical-significance assessments for this variant to ClinVar. Based on the evidence outlined above, the variant was classified as uncertain significance.

Literature cited by the submitters: PubMed 20975058.

NM_004750.5(CRLF1):c.935G>A (p.Arg312His)

Gene: CRLF1 (cytokine receptor like factor 1; minus strand). Cytogenetic location: 19p13.11.
Variant type: single nucleotide variant.
Coding change: c.935G>A on transcript NM_004750.5 (MANE Select); coding-DNA position 935, G replaced by A.
Protein change: p.Arg312His; replaces arginine 312 with histidine.
Molecular consequence: missense variant.
Genome position (GRCh38, 1-based): chr19:18,596,711, C>T on the plus strand (G>A on the coding strand, the complement: CRLF1 is on the minus strand). VCF-style: chr19-18596711-C-T. GRCh37 (hg19) VCF-style: chr19-18707521-C-T.
Other names: short protein forms R312H.
Identifiers: ClinVar variation 4536057 (VCV004536057.1), dbSNP rs137853933.